The following is an entry in ClinVar:

NM_014991.6(WDFY3):c.3732G>A (p.Thr1244=)

Gene: WDFY3 (WD repeat and FYVE domain containing 3; minus strand). Cytogenetic location: 4q21.23.
Variant type: single nucleotide variant.
Coding change: c.3732G>A on transcript NM_014991.6 (MANE Select); coding-DNA position 3732, G replaced by A.
Protein change: p.Thr1244=; no amino-acid change (threonine 1244 retained).
Molecular consequence: synonymous variant.
Genome position (GRCh38, 1-based): chr4:84,787,651, C>T on the plus strand (G>A on the coding strand, the complement: WDFY3 is on the minus strand). VCF-style: chr4-84787651-C-T. GRCh37 (hg19) VCF-style: chr4-85708804-C-T.
Other names: c.3732G>A (NM_014991.4).
Identifiers: ClinVar variation 1013493 (VCV001013493.39), dbSNP rs150471140, ClinGen allele CA2993427.

ClinVar aggregate classification (germline): Likely benign. Review status: criteria provided, single submitter (1 of 4 stars). 2 submissions from 2 submitters: Likely benign (1). 1 of the submissions does not count toward it. Last evaluated 2025-12-01.

Conditions:
WDFY3-related disorder.

Allele frequency attached by ClinVar (database versions not stated): gnomAD 0.00150 and 0.00163; TOPMed 0.00181; 1000 Genomes Project 30x 0.00219; 1000 Genomes Project 0.00220; ESP Exome Variant Server 0.00223.
gnomAD v4.1: 568 of 1,614,104 alleles (0.035%); highest among the groups gnomAD compares: African/African-American, 0.57%; 1 homozygote.

Submissions (2):

CeGaT Center for Human Genetics Tuebingen
Classification: Likely benign. Last evaluated: 2025-12-01. Review status: criteria provided, single submitter. Criteria: CeGaT Center For Human Genetics Tuebingen Variant Classification Criteria Version 2. Collection method: clinical testing. Allele origin: germline. Affected: yes. Observed: 2 variant alleles.
Comment: WDFY3: BP4, BP7

PreventionGenetics, part of Exact Sciences
Classification: Benign for WDFY3-related condition. Last evaluated: 2020-01-13. Review status: no assertion criteria provided. Collection method: clinical testing. Allele origin: germline. Not counted in ClinVar's aggregate classification.
Comment: This variant is classified as benign based on ACMG/AMP sequence variant interpretation guidelines (Richards et al. 2015 PMID: 25741868, with internal and published modifications).